The following is an entry in ClinVar:

NM_000548.5(TSC2):c.2045G>T (p.Gly682Val)

Gene: TSC2 (TSC complex subunit 2; plus strand). Cytogenetic location: 16p13.3.
Variant type: single nucleotide variant.
Coding change: c.2045G>T on transcript NM_000548.5 (MANE Select); coding-DNA position 2045, G replaced by T.
Protein change: p.Gly682Val; replaces glycine 682 with valine.
Molecular consequence: missense variant. On other transcripts: non-coding transcript variant (5).
Genome position (GRCh38, 1-based): chr16:2,071,882, G>T. VCF-style: chr16-2071882-G-T. GRCh37 (hg19) VCF-style: chr16-2121883-G-T.
Other names: c.2045G>T, p.Gly682Val (NM_001077183.3, NM_001114382.3, NM_001363528.2 and 6 more transcripts); c.1934G>T, p.Gly645Val (NM_001318827.2, NM_001406670.1, NM_001406678.1); c.1898G>T, p.Gly633Val (NM_001318829.2, NM_001406675.1, NM_001406676.1 and 1 more transcripts); c.1445G>T, p.Gly482Val (NM_001318831.2, NM_001406682.1, NM_001406683.1 and 6 more transcripts); c.2078G>T, p.Gly693Val (NM_001318832.2); c.2135G>T, p.Gly712Val (NM_001406667.1, NM_001406668.1); c.701G>T, p.Gly234Val (NM_001406689.1, NM_001406690.1, NM_001406691.1 and 6 more transcripts); c.443G>T, p.Gly148Val (NM_001406698.1); and 3 more; short protein forms G148V, G234V, G482V, G528V, G633V, G645V, G663V, G678V.
Identifiers: ClinVar variation 3386165 (VCV003386165.15).

ClinVar aggregate classification (germline): Uncertain significance. Review status: criteria provided, multiple submitters, no conflicts (2 of 4 stars). 2 submissions from 2 submitters: Uncertain significance (2). Last evaluated 2024-10-01.

Conditions:
Tuberous sclerosis syndrome (TSC). Also called: Tuberous Sclerosis Complex; Tuberous sclerosis. Identifiers: Orphanet 805, MedGen C0041341, MONDO:0001734.

gnomAD v4.1: 1 of 1,597,590 alleles (0.000063%); highest among the groups gnomAD compares: Non-Finnish European, 0.000085%; no homozygotes.

Submissions (2):

CeGaT Center for Human Genetics Tuebingen
Classification: Uncertain significance. Last evaluated: 2024-10-01. Review status: criteria provided, single submitter. Criteria: CeGaT Center For Human Genetics Tuebingen Variant Classification Criteria Version 2. Collection method: clinical testing. Allele origin: germline. Affected: yes. Observed: 1 variant allele.
Comment: TSC2: PM2:Supporting

All of Us Research Program, National Institutes of Health
Classification: Uncertain significance for Tuberous sclerosis syndrome. Last evaluated: 2024-05-30. Review status: criteria provided, single submitter. Criteria: ACMG Guidelines, 2015. Collection method: clinical testing. Allele origin: germline. Inheritance: Autosomal dominant inheritance. Observed: 1 variant allele, 1 heterozygote.
Comment: This missense variant replaces glycine with valine at codon 682 of the TSC2 protein. Computational prediction is inconclusive regarding the impact of this variant on protein structure and function. To our knowledge, functional studies have not been reported for this variant. This variant has not been reported in individuals affected with TSC2-related disorders in the literature. This variant has not been identified in the general population by the Genome Aggregation Database (gnomAD). The available evidence is insufficient to determine the role of this variant in disease conclusively. Therefore, this variant is classified as a Variant of Uncertain Significance.

This study involves interpretation of variants in research participants for the purpose of population health screening. Participant phenotype was not available at the time of variant classification. Additional details can be found in publication PMID: 35346344, PMCID: PMC8962531